The following is an entry in ClinVar:

NM_001080.3(ALDH5A1):c.170dup (p.Leu58fs)

Genes: ALDH5A1 (aldehyde dehydrogenase 5 family member A1; plus strand), GPLD1 (glycosylphosphatidylinositol specific phospholipase D1; minus strand), LOC129995978 (ATAC-STARR-seq lymphoblastoid silent region 16989; plus strand). Cytogenetic location: 6p22.3.
Variant type: Duplication.
Coding change: c.170dup on transcript NM_001080.3 (MANE Select); coding-DNA position 170, one base duplicated (C; older notation c.170dupC).
Protein change: p.Leu58fs; shifts the reading frame from leucine 58.
Molecular consequence: frameshift variant.
Genome position (GRCh38, 1-based): chr6:24,495,166, C duplicated. VCF-style (leftmost placement, unchanged base first): chr6-24495165-G-GC. GRCh37 (hg19) VCF-style: chr6-24495393-G-GC.
Other names: c.170dup, p.Leu58fs (NM_001368954.1, NM_170740.1); short protein forms L58fs.
Identifiers: ClinVar variation 2118497 (VCV002118497.4), dbSNP rs2532812069, ClinGen allele CA2580074507.

ClinVar aggregate classification (germline): Pathogenic (1 of 4 stars; one submission).

Conditions:
Succinate-semialdehyde dehydrogenase deficiency (SSADHD). Also called: 4-HYDROXYBUTYRIC ACIDURIA; GABA METABOLIC DEFECT; Succinic Semialdehyde Dehydrogenase Deficiency; SSADH DEFICIENCY. Identifiers: Orphanet 22, MedGen C0268631, MONDO:0010083, OMIM 271980.

Submission:

Labcorp Genetics (formerly Invitae), Labcorp
Classification: Pathogenic for Succinate-semialdehyde dehydrogenase deficiency. Last evaluated: 2024-06-24. Review status: criteria provided, single submitter. Criteria: Invitae Variant Classification Sherloc (09022015). Collection method: clinical testing. Allele origin: germline.
Comment: This sequence change creates a premature translational stop signal (p.Leu58Alafs*78) in the ALDH5A1 gene. It is expected to result in an absent or disrupted protein product. Loss-of-function variants in ALDH5A1 are known to be pathogenic (PMID: 14635103). This variant is not present in population databases (gnomAD no frequency). This variant has not been reported in the literature in individuals affected with ALDH5A1-related conditions. ClinVar contains an entry for this variant (Variation ID: 2118497). For these reasons, this variant has been classified as Pathogenic.

Literature cited by the submitters: PubMed 14635103.